The following is an entry in ClinVar:

ClinVar aggregate classification (germline): Pathogenic (1 of 4 stars; one submission).

Conditions:
Hereditary cancer-predisposing syndrome. Also called: Neoplastic Syndromes, Hereditary; Tumor predisposition; Hereditary Cancer Syndrome; Hereditary neoplastic syndrome. Identifiers: Orphanet 140162, MedGen C0027672, MeSH D009386, MONDO:0015356.

Submission:

Color Diagnostics, LLC DBA Color Health
Classification: Pathogenic for Hereditary cancer-predisposing syndrome. Last evaluated: 2022-10-06. Review status: criteria provided, single submitter. Criteria: ACMG Guidelines, 2015. Collection method: clinical testing. Allele origin: germline.
Comment: This variant deletes 2 nucleotides in exon 21 of the BRCA2 gene, creating a frameshift and premature translation stop signal. This variant is expected to result in an absent or non-functional protein product. To our knowledge, this variant has not been reported in individuals affected with hereditary cancer in the literature. This variant has not been identified in the general population by the Genome Aggregation Database (gnomAD). Loss of BRCA2 function is a known mechanism of disease. Based on the available evidence, this variant is classified as Pathogenic.

NM_000059.4(BRCA2):c.8677_8678del (p.Gln2893fs)

Gene: BRCA2 (BRCA2 DNA repair associated; plus strand). Cytogenetic location: 13q13.1.
Variant type: Deletion.
Coding change: c.8677_8678del on transcript NM_000059.4 (MANE Select); coding-DNA positions 8677 to 8678, 2 bases deleted (CA; older notation c.8677_8678delCA).
Protein change: p.Gln2893fs; shifts the reading frame from glutamine 2893.
Molecular consequence: frameshift variant. On other transcripts: non-coding transcript variant (1).
Genome position (GRCh38, 1-based): chr13:32,376,714-32,376,715, CA deleted; deleting any 2 consecutive bases within chr13:32,376,713-32,376,715 gives the same sequence; the c. name uses the placement nearest the transcript's 3' end. VCF-style (leftmost placement, unchanged base first): chr13-32376712-GAC-G. GRCh37 (hg19) VCF-style: chr13-32950849-GAC-G.
Other names: c.8581_8582del, p.Gln2861fs (NM_001406719.1); c.8677_8678del, p.Gln2893fs (NM_001406720.1); c.3745_3746del, p.Gln1249fs (NM_001406721.1); c.2260_2261del, p.Gln754fs (NM_001406722.1); short protein forms Q1249fs, Q2861fs, Q2893fs, Q754fs.
Identifiers: ClinVar variation 2774959 (VCV002774959.2), dbSNP rs2548553260, ClinGen allele CA2697551770.